The following is an entry in ClinVar:

ClinVar aggregate classification (germline): Uncertain significance (1 of 4 stars; one submission).

Submission:

Labcorp Genetics (formerly Invitae), Labcorp
Classification: Uncertain significance. Last evaluated: 2023-03-22. Review status: criteria provided, single submitter. Criteria: Invitae Variant Classification Sherloc (09022015). Collection method: clinical testing. Allele origin: germline.
Comment: This sequence change replaces glutamic acid, which is acidic and polar, with aspartic acid, which is acidic and polar, at codon 480 of the CACNA1F protein (p.Glu480Asp). This variant is not present in population databases (gnomAD no frequency). This variant has not been reported in the literature in individuals affected with CACNA1F-related conditions. Advanced modeling of protein sequence and biophysical properties (such as structural, functional, and spatial information, amino acid conservation, physicochemical variation, residue mobility, and thermodynamic stability) performed at Invitae indicates that this missense variant is not expected to disrupt CACNA1F protein function. In summary, the available evidence is currently insufficient to determine the role of this variant in disease. Therefore, it has been classified as a Variant of Uncertain Significance.

NM_001256789.3(CACNA1F):c.1407G>C (p.Glu469Asp)

Gene: CACNA1F (calcium voltage-gated channel subunit alpha1 F; minus strand). Cytogenetic location: Xp11.23.
Variant type: single nucleotide variant.
Coding change: c.1407G>C on transcript NM_001256789.3 (MANE Select); coding-DNA position 1407, G replaced by C.
Protein change: p.Glu469Asp; replaces glutamic acid 469 with aspartic acid.
Molecular consequence: missense variant.
Genome position (GRCh38, 1-based): chrX:49,226,465, C>G on the plus strand (G>C on the coding strand, the complement: CACNA1F is on the minus strand). VCF-style: chrX-49226465-C-G. GRCh37 (hg19) VCF-style: chrX-49082927-C-G.
Other names: c.1245G>C, p.Glu415Asp (NM_001256790.3); c.1440G>C, p.Glu480Asp (NM_005183.4); short protein forms E469D, E415D, E480D.
Identifiers: ClinVar variation 2958368 (VCV002958368.3), dbSNP rs2519125786, ClinGen allele CA412917419.
Genomic context (GRCh38, chrX:49,226,465, plus strand): 5'-TCACAGGCAGCGTGTACAGCTGGCCAGAGCCCCCTCCTCCTCATCCTCATCGCCTTGGGT[C>G]TCTGTCATGGAACCGGTGTCACTGGCTGGGAGGCTGGCTGTAGGCAAGGTGGGGATAGTG-3'
Protein context (NP_001243718.1, residues 459-479): LPASDTGSMT[Glu469Asp]TQGDEDEEEG